The following is an entry in ClinVar:

NM_000182.5(HADHA):c.1059del (p.Lys353fs)

Gene: HADHA (hydroxyacyl-CoA dehydrogenase trifunctional multienzyme complex subunit alpha; minus strand). Cytogenetic location: 2p23.3.
Variant type: Deletion.
Coding change: c.1059del on transcript NM_000182.5 (MANE Select); coding-DNA position 1059, one base deleted (A; older notation c.1059delA).
Protein change: p.Lys353fs; shifts the reading frame from lysine 353.
Molecular consequence: frameshift variant.
Genome position (GRCh38, 1-based): chr2:26,209,806, T deleted on the plus strand (A on the coding strand, the reverse complement: HADHA is on the minus strand); the first of 3 consecutive T bases (chr2:26,209,806-26,209,808); deleting any one gives the same sequence. VCF-style (leftmost placement, unchanged base first): chr2-26209805-AT-A. GRCh37 (hg19) VCF-style: chr2-26432674-AT-A.
Other names: c.1059del (NM_000182.4); short protein forms K353fs.
Identifiers: ClinVar variation 984464 (VCV000984464.3), dbSNP rs1227493628, ClinGen allele CA531377987.

ClinVar aggregate classification (germline): Pathogenic/Likely pathogenic. Review status: criteria provided, multiple submitters, no conflicts (2 of 4 stars). 3 submissions from 3 submitters: Pathogenic (1); Likely pathogenic (2). Last evaluated 2024-10-16.

Conditions:
Mitochondrial trifunctional protein deficiency. Identifiers: Orphanet 746, MedGen C1969443, MONDO:0012172.
Long chain 3-hydroxyacyl-CoA dehydrogenase deficiency. Also called: LCHAD Deficiency; Deficiency of long-chain 3-hydroxyacyl-coenzyme A dehydrogenase. Identifiers: Orphanet 5, MedGen C3711645, MONDO:0012173, OMIM 609016.

Submissions (3):

Natera, Inc.
Classification: Likely pathogenic for Deficiency of long-chain 3-hydroxyacyl-coenzyme A dehydrogenase. Last evaluated: 2024-10-16. Review status: criteria provided, single submitter. Criteria: Natera Variant Classification Schema (03/2026). Collection method: clinical testing. Allele origin: germline.
Comment: The c.1059del variant in HADHA is a frameshift variant predicted to shift the reading frame beginning at codon 353 and leads to a stop codon 19 codons downstream. This variant is expected to result in nonsense mediated decay, truncation, or a dysfunctional protein product. This variant is rare in the general population with a frequency below the threshold expected for the associated phenotype(s). Given the available evidence, this variant is classified as Likely Pathogenic.

Fulgent Genetics
Classification: Pathogenic for Mitochondrial trifunctional protein deficiency 1; Long chain 3-hydroxyacyl-CoA dehydrogenase deficiency. Last evaluated: 2022-02-18. Review status: criteria provided, single submitter. Criteria: ACMG Guidelines, 2015. Collection method: clinical testing. Allele origin: unknown.

Women's Health and Genetics/Laboratory Corporation of America, LabCorp
Classification: Likely pathogenic for Long-chain 3-hydroxyacyl-CoA dehydrogenase deficiency. Last evaluated: 2020-10-12. Review status: criteria provided, single submitter. Criteria: LabCorp Variant Classification Summary - May 2015. Collection method: clinical testing. Allele origin: germline.
Comment: Variant summary: HADHA c.1059delA (p.Lys353AsnfsX19) results in a premature termination codon, predicted to cause a truncation of the encoded protein or absence of the protein due to nonsense mediated decay, which are commonly known mechanisms for disease. Truncations downstream of this position have been classified as pathogenic by our laboratory. The variant allele was found at a frequency of 4e-06 in 251354 control chromosomes. c.1059delA has been reported in the literature in at-least one post mortem fetus affected with Long Chain 3-Hydroxyacyl-CoA Dehydrogenase Deficiency and subsequently cited by others (example, Matern_2001, Boutron_2011). To our knowledge, no experimental evidence demonstrating an impact on protein function has been reported. No clinical diagnostic laboratories have submitted clinical-significance assessments for this variant to ClinVar after 2014. Based on the evidence outlined above, the variant was classified as likely pathogenic.

Literature cited by the submitters: PubMed 21549624 (cited by Women's Health and Genetics/Laboratory Corporation of America, LabCorp); PubMed 11243734 (cited by Women's Health and Genetics/Laboratory Corporation of America, LabCorp).